The following is an entry in ClinVar:

NM_000179.3(MSH6):c.2726T>G (p.Leu909Trp)

Gene: MSH6 (mutS homolog 6; plus strand). Cytogenetic location: 2p16.3.
Variant type: single nucleotide variant.
Coding change: c.2726T>G on transcript NM_000179.3 (MANE Select); coding-DNA position 2726, T replaced by G.
Protein change: p.Leu909Trp; replaces leucine 909 with tryptophan.
Molecular consequence: missense variant.
Genome position (GRCh38, 1-based): chr2:47,800,709, T>G. VCF-style: chr2-47800709-T-G. GRCh37 (hg19) VCF-style: chr2-48027848-T-G.
Other names: c.2336T>G, p.Leu779Trp (NM_001281492.2); c.1820T>G, p.Leu607Trp (NM_001281493.2, NM_001281494.2); short protein forms L909W, L607W, L779W.
Identifiers: ClinVar variation 489993 (VCV000489993.5), dbSNP rs969521586, ClinGen allele CA346755368.

ClinVar aggregate classification (germline): Uncertain significance (1 of 4 stars; one submission).

Conditions:
Hereditary cancer-predisposing syndrome. Also called: Hereditary Cancer Syndrome; Neoplastic Syndromes, Hereditary; Tumor predisposition; Hereditary neoplastic syndrome. Identifiers: Orphanet 140162, MedGen C0027672, MeSH D009386, MONDO:0015356.

Submission:

Color Diagnostics, LLC DBA Color Health
Classification: Uncertain significance for Hereditary cancer-predisposing syndrome. Last evaluated: 2023-12-05. Review status: criteria provided, single submitter. Criteria: ACMG Guidelines, 2015. Collection method: clinical testing. Allele origin: germline.
Comment: This missense variant replaces leucine with tryptophan at codon 909 of the MSH6 protein. Computational prediction suggests that this variant may have deleterious impact on protein structure and function (internally defined REVEL score threshold >= 0.7, PMID: 27666373). To our knowledge, functional studies have not been reported for this variant. This variant has not been reported in individuals affected with MSH6-related disorders in the literature. This variant has not been identified in the general population by the Genome Aggregation Database (gnomAD). The available evidence is insufficient to determine the role of this variant in disease conclusively. Therefore, this variant is classified as a Variant of Uncertain Significance.